The following is an entry in ClinVar:

NM_002693.3(POLG):c.2258C>T (p.Pro753Leu)

Gene: POLG (DNA polymerase gamma, catalytic subunit; minus strand). Cytogenetic location: 15q26.1.
Variant type: single nucleotide variant.
Coding change: c.2258C>T on transcript NM_002693.3 (MANE Select); coding-DNA position 2258, C replaced by T.
Protein change: p.Pro753Leu; replaces proline 753 with leucine.
Molecular consequence: missense variant.
Genome position (GRCh38, 1-based): chr15:89,323,411, G>A on the plus strand (C>T on the coding strand, the complement: POLG is on the minus strand). VCF-style: chr15-89323411-G-A. GRCh37 (hg19) VCF-style: chr15-89866642-G-A.
Other names: c.2258C>T, p.Pro753Leu (NM_001126131.2); short protein forms P753L.
Identifiers: ClinVar variation 4885861 (VCV004885861.2).

ClinVar aggregate classification (germline): Uncertain significance (1 of 4 stars; one submission).

Submission:

Dasa
Classification: Uncertain significance. Last evaluated: 2025-01-07. Review status: criteria provided, single submitter. Criteria: DASA Assertion Criteria. Collection method: clinical testing. Allele origin: germline.
Comment: NM_002693.3(POLG):c.2258C>T (p.Pro753Leu) is a missense variant that results in the substitution of proline with leucine. This variant is rare in population databases. Computational prediction algorithms are consistent with a deleterious effect. The currently available literature and clinical evidence are not sufficient to establish a definitive association between this variant and the reported condition. Therefore, this variant is classified as a variant of uncertain significance.